The following is an entry in ClinVar:

NM_018451.5(CPAP):c.1555A>G (p.Lys519Glu)

Gene: CPAP (centrosome assembly and centriole elongation protein; minus strand). Cytogenetic location: 13q12.13.
Variant type: single nucleotide variant.
Coding change: c.1555A>G on transcript NM_018451.5 (MANE Select); coding-DNA position 1555, A replaced by G.
Protein change: p.Lys519Glu; replaces lysine 519 with glutamic acid.
Molecular consequence: missense variant. On other transcripts: non-coding transcript variant (2).
Genome position (GRCh38, 1-based): chr13:24,906,483, T>C on the plus strand (A>G on the coding strand, the complement: CPAP is on the minus strand). VCF-style: chr13-24906483-T-C. GRCh37 (hg19) VCF-style: chr13-25480621-T-C.
Other names: short protein forms K519E.
Identifiers: ClinVar variation 4738355 (VCV004738355.1).

ClinVar aggregate classification (germline): Uncertain significance (1 of 4 stars; one submission).

Submission:

Labcorp Genetics (formerly Invitae), Labcorp
Classification: Uncertain significance. Last evaluated: 2026-01-06. Review status: criteria provided, single submitter. Criteria: Invitae Variant Classification Sherloc (09022015). Collection method: clinical testing. Allele origin: germline.
Comment: This sequence change replaces lysine, which is basic and polar, with glutamic acid, which is acidic and polar, at codon 519 of the CENPJ protein (p.Lys519Glu). This variant is not present in population databases (gnomAD no frequency). This variant has not been reported in the literature in individuals affected with CENPJ-related conditions. Invitae Evidence Modeling of protein sequence and biophysical properties (such as structural, functional, and spatial information, amino acid conservation, physicochemical variation, residue mobility, and thermodynamic stability) indicates that this missense variant is not expected to disrupt CENPJ protein function with a negative predictive value of 80%. In summary, the available evidence is currently insufficient to determine the role of this variant in disease. Therefore, it has been classified as a Variant of Uncertain Significance.